The following is an entry in ClinVar:

NM_004621.6(TRPC6):c.*553T>G

Gene: TRPC6 (transient receptor potential cation channel subfamily C member 6; minus strand). Cytogenetic location: 11q22.1.
Variant type: single nucleotide variant.
Coding change: c.*553T>G on transcript NM_004621.6 (MANE Select); 553 bases downstream of the stop codon, T replaced by G.
Molecular consequence: 3 prime UTR variant.
Genome position (GRCh38, 1-based): chr11:101,452,402, A>C on the plus strand (T>G on the coding strand, the complement: TRPC6 is on the minus strand). VCF-style: chr11-101452402-A-C. GRCh37 (hg19) VCF-style: chr11-101323133-A-C.
Identifiers: ClinVar variation 301887 (VCV000301887.6), dbSNP rs7931399, ClinGen allele CA10633146.
Genomic context (GRCh38, chr11:101,452,402, plus strand): 5'-TTCATTGTTAAGTGTAATGTTTTCAAATAGATGAATCAGAAAATTTTACATAGATGTAAG[A>C]CCATTTTGTATGAACGGTATCAATCATGTGCATTGAGGGATAAGTAGGGTAAATGGTGTT-3'

ClinVar aggregate classification (germline): Benign. Review status: criteria provided, multiple submitters, no conflicts (2 of 4 stars). 2 submissions from 2 submitters: Benign (2). Last evaluated 2018-01-13.

Conditions:
Focal segmental glomerulosclerosis 2 (FSGS2). Identifiers: Orphanet 656, MedGen C1858915, MONDO:0011390, OMIM 603965.

Allele frequency attached by ClinVar (database versions not stated): gnomAD exomes 0.14045; 1000 Genomes Project 0.31350; gnomAD 0.31833 and 0.32661; 1000 Genomes Project 30x 0.32121; TOPMed 0.33101.
gnomAD v4.1: 48,657 of 154,704 alleles (31%); highest among the groups gnomAD compares: African/African-American, 60%; 10,152 homozygotes.

Submissions (2):

Illumina Laboratory Services, Illumina
Classification: Benign for Focal segmental glomerulosclerosis 2. Last evaluated: 2018-01-13. Review status: criteria provided, single submitter. Criteria: ICSL Variant Classification Criteria 13 December 2019. Collection method: clinical testing. Allele origin: germline.
Comment: This variant was observed in the ICSL laboratory as part of a predisposition screen in an ostensibly healthy population. It had not been previously curated by ICSL or reported in the Human Gene Mutation Database (HGMD: prior to June 1st, 2018), and was therefore a candidate for classification through an automated scoring system. Utilizing variant allele frequency, disease prevalence and penetrance estimates, and inheritance mode, an automated score was calculated to assess if this variant is too frequent to cause the disease. Based on the score and internal cut-off values, a variant classified as benign is not then subjected to further curation. The score for this variant resulted in a classification of benign for this disease.

Breakthrough Genomics
Classification: Benign. Review status: criteria provided, single submitter. Criteria: ACMG Guidelines, 2015. Collection method: not provided. Allele origin: germline. Inheritance: Autosomal dominant inheritance. Affected: yes.